The following is an entry in ClinVar:

ClinVar aggregate classification (germline): Likely benign (1 of 4 stars; one submission).

Conditions:
Marfan syndrome (MFS). Also called: MARFAN SYNDROME, TYPE I; Marfan syndrome type 1; Marfan's syndrome; Marfan syndrome, classic; FBN1-Related Marfan Syndrome. Identifiers: Orphanet 284963, Orphanet 558, MedGen C0024796, MONDO:0007947, OMIM 154700.

Allele frequency attached by ClinVar (database versions not stated): gnomAD exomes below 0.00001; ExAC 0.00001.
gnomAD v4.1: 1 of 1,614,128 alleles (0.000062%); highest among the groups gnomAD compares: Non-Finnish European, 0.000085%; no homozygotes.

Submission:

All of Us Research Program, National Institutes of Health
Classification: Likely benign for Marfan syndrome. Last evaluated: 2023-08-15. Review status: criteria provided, single submitter. Criteria: ACMG Guidelines, 2015. Collection method: clinical testing. Allele origin: germline. Inheritance: Autosomal dominant inheritance. Observed: 1 variant allele, 1 heterozygote.
Comment: This study involves interpretation of variants in research participants for the purpose of population health screening. Participant phenotype was not available at the time of variant classification. Additional details can be found in publication PMID: 35346344, PMCID: PMC8962531

NM_000138.5(FBN1):c.3464-11T>C

Gene: FBN1 (fibrillin 1; minus strand). Cytogenetic location: 15q21.1.
Variant type: single nucleotide variant.
Coding change: c.3464-11T>C on transcript NM_000138.5 (MANE Select); 11 bases into the intron before coding-DNA position 3464, T replaced by C.
Molecular consequence: intron variant.
Genome position (GRCh38, 1-based): chr15:48,487,211, A>G on the plus strand (T>C on the coding strand, the complement: FBN1 is on the minus strand). VCF-style: chr15-48487211-A-G. GRCh37 (hg19) VCF-style: chr15-48779408-A-G.
Other names: c.3464-11T>C (NM_001406716.1).
Identifiers: ClinVar variation 3073028 (VCV003073028.1), dbSNP rs767786832, ClinGen allele CA050757.